The following is an entry in ClinVar:

NM_000548.5(TSC2):c.3365G>A (p.Arg1122His)

Gene: TSC2 (TSC complex subunit 2; plus strand). Cytogenetic location: 16p13.3.
Variant type: single nucleotide variant.
Coding change: c.3365G>A on transcript NM_000548.5 (MANE Select); coding-DNA position 3365, G replaced by A.
Protein change: p.Arg1122His; replaces arginine 1122 with histidine.
Molecular consequence: missense variant.
Genome position (GRCh38, 1-based): chr16:2,079,637, G>A. VCF-style: chr16-2079637-G-A. GRCh37 (hg19) VCF-style: chr16-2129638-G-A.
Other names: c.3365G>A (NM_000548.4); c.3233G>A, p.Arg1078His (NM_001077183.3, NM_001370404.1); c.3365G>A, p.Arg1122His (NM_001114382.3); c.3125G>A, p.Arg1042His (NM_001318827.2); c.3089G>A, p.Arg1030His (NM_001318829.2); c.2633G>A, p.Arg878His (NM_001318831.2); c.3266G>A, p.Arg1089His (NM_001318832.2); c.3236G>A, p.Arg1079His (NM_001363528.2, NM_001370405.1, NM_021055.3); short protein forms R1122H, R1089H, R1030H, R1078H, R1042H, R878H, R1079H.
Identifiers: ClinVar variation 468007 (VCV000468007.32), dbSNP rs369536711, ClinGen allele CA046129.
Genomic context (GRCh38, chr16:2,079,637, plus strand): 5'-TGAGACAGACCAAGGAGGCGCCGGCCAAGCTGGAGTCCCAGGCTGGGCAGCAGGTGTCCC[G>A]TGGGGCCCGGGATCGGGTCCGTTCCATGTCGGGTGAGCCTTGGCCCCAGCCACCTCCACA-3'
Protein context (NP_000539.2, residues 1112-1132): LESQAGQQVS[Arg1122His]GARDRVRSMS

ClinVar aggregate classification (germline): Conflicting classifications of pathogenicity. Review status: criteria provided, conflicting classifications (1 of 4 stars). 11 submissions from 11 submitters: Uncertain significance (2); Benign (1); Likely benign (8). Last evaluated 2026-09-23.

Conditions:
Tuberous sclerosis 2 (TSC2). Identifiers: Orphanet 805, MedGen C1860707, MONDO:0013199, OMIM 613254.
Lymphangiomyomatosis (LAM). Also called: Lymphangioleiomyomatosis; Lymphangioleiomyomatosis, somatic. Identifiers: Orphanet 538, MedGen C0751674, MONDO:0011705, OMIM 606690.
Isolated focal cortical dysplasia type II (FCORD2). Also called: Focal cortical dysplasia type II; CORTICAL DYSPLASIA OF TAYLOR. Identifiers: Orphanet 268994, MedGen C1846385, MONDO:0011818, OMIM 607341, HP:0032051.
TSC2-related disorder. Also called: TSC2-related condition; TSC2-Related Disorders.
Hereditary cancer-predisposing syndrome. Also called: Hereditary neoplastic syndrome; Tumor predisposition; Neoplastic Syndromes, Hereditary; Hereditary Cancer Syndrome. Identifiers: Orphanet 140162, MedGen C0027672, MeSH D009386, MONDO:0015356.

Allele frequency attached by ClinVar (database versions not stated): gnomAD 0.00004; TOPMed 0.00004; gnomAD exomes 0.00006; ESP Exome Variant Server 0.00008; ExAC 0.00009.
gnomAD v4.1: 66 of 1,607,054 alleles (0.0041%); highest among the groups gnomAD compares: Non-Finnish European, 0.0051%; no homozygotes.

Submissions (11):

PreventionGenetics, part of Exact Sciences
Classification: Likely benign for TSC2-related condition. Last evaluated: 2026-09-23. Review status: criteria provided, single submitter. Criteria: ACMG Guidelines, 2015. Collection method: clinical testing. Allele origin: germline.
Comment: This variant is classified as likely benign based on ACMG/AMP sequence variant interpretation guidelines (Richards et al. 2015 PMID: 25741868, with internal and published modifications).

Labcorp Genetics (formerly Invitae), Labcorp
Classification: Benign for Tuberous sclerosis 2. Last evaluated: 2026-01-13. Review status: criteria provided, single submitter. Criteria: Invitae Variant Classification Sherloc (09022015). Collection method: clinical testing. Allele origin: germline.

CeGaT Center for Human Genetics Tuebingen
Classification: Likely benign. Last evaluated: 2025-12-01. Review status: criteria provided, single submitter. Criteria: CeGaT Center For Human Genetics Tuebingen Variant Classification Criteria Version 2. Collection method: clinical testing. Allele origin: germline. Affected: yes. Observed: 1 variant allele.
Comment: TSC2: BS2

Myriad Genetics, Inc.
Classification: Likely benign for Tuberous sclerosis 2. Last evaluated: 2025-05-29. Review status: criteria provided, single submitter. Criteria: Myriad Autosomal Dominant, Autosomal Recessive and X-Linked Classification Criteria (2023). Collection method: clinical testing. Allele origin: unknown.
Comment: This variant is considered likely benign. This variant has been observed at a population frequency that is significantly greater than expected given the associated disease prevalence and penetrance.

Blueprint Genetics
Classification: Likely benign. Last evaluated: 2024-10-11. Review status: criteria provided, single submitter. Criteria: ACMG Guidelines, 2015. Collection method: clinical testing. Allele origin: germline.

Department of Pathology and Laboratory Medicine, Sinai Health System
Classification: Uncertain significance for Lymphangiomyomatosis; Isolated focal cortical dysplasia type II; Tuberous sclerosis 2. Last evaluated: 2023-11-11. Review status: criteria provided, single submitter. Criteria: ACMG Guidelines, 2015. Collection method: research. Allele origin: germline.

Sema4
Classification: Likely benign for Hereditary cancer-predisposing syndrome. Last evaluated: 2021-12-29. Review status: criteria provided, single submitter. Criteria: Sema4 Curation Guidelines. Collection method: curation. Allele origin: germline.

Genome-Nilou Lab
Classification: Likely benign for Tuberous sclerosis 2. Last evaluated: 2021-11-07. Review status: criteria provided, single submitter. Criteria: ACMG Guidelines, 2015. Collection method: clinical testing. Allele origin: germline. Affected: no.

Institute for Clinical Genetics, University Hospital TU Dresden, University Hospital TU Dresden
Classification: Uncertain significance. Last evaluated: 2021-11-03. Review status: criteria provided, single submitter. Criteria: ACMG Guidelines, 2015. Collection method: clinical testing. Allele origin: germline.

Ambry Genetics
Classification: Likely benign for Hereditary cancer-predisposing syndrome. Last evaluated: 2021-05-12. Review status: criteria provided, single submitter. Criteria: Ambry Variant Classification Scheme 2023. Collection method: clinical testing. Allele origin: germline.

GeneDx
Classification: Likely benign. Last evaluated: 2019-07-29. Review status: criteria provided, single submitter. Criteria: GeneDx Variant Classification Process June 2021. Collection method: clinical testing. Allele origin: germline. Affected: yes.